The following is an entry in ClinVar:

ClinVar aggregate classification (germline): Uncertain significance (1 of 4 stars; one submission).

Conditions:
Baller-Gerold syndrome (BGS). Also called: CRANIOSYNOSTOSIS WITH RADIAL DEFECTS. Identifiers: Orphanet 1225, MedGen C0265308, MONDO:0009039, OMIM 218600.

Submission:

Labcorp Genetics (formerly Invitae), Labcorp
Classification: Uncertain significance for Baller-Gerold syndrome. Last evaluated: 2022-03-05. Review status: criteria provided, single submitter. Criteria: Invitae Variant Classification Sherloc (09022015). Collection method: clinical testing. Allele origin: germline.
Comment: This variant is not present in population databases (gnomAD no frequency). This variant has not been reported in the literature in individuals affected with RECQL4-related conditions. Experimental studies and prediction algorithms are not available or were not evaluated, and the functional significance of this variant is currently unknown. Algorithms developed to predict the effect of sequence changes on RNA splicing suggest that this variant may disrupt the consensus splice site. In summary, the available evidence is currently insufficient to determine the role of this variant in disease. Therefore, it has been classified as a Variant of Uncertain Significance. This sequence change replaces lysine, which is basic and polar, with arginine, which is basic and polar, at codon 385 of the RECQL4 protein (p.Lys385Arg).

NM_004260.4(RECQL4):c.1154A>G (p.Lys385Arg)

Gene: RECQL4 (RecQ like helicase 4; minus strand). Cytogenetic location: 8q24.3.
Variant type: single nucleotide variant.
Coding change: c.1154A>G on transcript NM_004260.4 (MANE Select); coding-DNA position 1154, A replaced by G.
Protein change: p.Lys385Arg; replaces lysine 385 with arginine.
Molecular consequence: missense variant.
Genome position (GRCh38, 1-based): chr8:144,515,868, T>C on the plus strand (A>G on the coding strand, the complement: RECQL4 is on the minus strand). VCF-style: chr8-144515868-T-C. GRCh37 (hg19) VCF-style: chr8-145741252-T-C.
Other names: short protein forms K385R.
Identifiers: ClinVar variation 1467440 (VCV001467440.6), dbSNP rs2130713589, ClinGen allele CA372687778.